The following is an entry in ClinVar:

NM_001244008.2(KIF1A):c.1317C>T (p.Ser439=)

Gene: KIF1A (kinesin family member 1A; minus strand). Cytogenetic location: 2q37.3.
Variant type: single nucleotide variant.
Coding change: c.1317C>T on transcript NM_001244008.2 (MANE Select); coding-DNA position 1317, C replaced by T.
Protein change: p.Ser439=; no amino-acid change (serine 439 retained).
Molecular consequence: synonymous variant.
Genome position (GRCh38, 1-based): chr2:240,770,995, G>A on the plus strand (C>T on the coding strand, the complement: KIF1A is on the minus strand). VCF-style: chr2-240770995-G-A. GRCh37 (hg19) VCF-style: chr2-241710412-G-A.
Other names: c.1317C>T, p.Ser439= (NM_001320705.2, NM_001330289.2, NM_001379638.1); c.1392C>T, p.Ser464= (NM_001330290.2, NM_001379631.1, NM_001379634.1 and 2 more transcripts); c.1290C>T, p.Ser430= (NM_001379632.1, NM_001379633.1, NM_001379636.1 and 10 more transcripts); c.1365C>T, p.Ser455= (NM_001379637.1, NM_001379648.1); c.1317C>T (NM_001244008.1).
Identifiers: ClinVar variation 1411253 (VCV001411253.7), dbSNP rs527590782, ClinGen allele CA2208450.

ClinVar aggregate classification (germline): Likely benign. Review status: criteria provided, multiple submitters, no conflicts (2 of 4 stars). 2 submissions from 2 submitters: Likely benign (2). Last evaluated 2026-05-19.

Conditions:
KIF1A-related disorder. Also called: KIF1A-related disorders; KIF1A-related condition.
Hereditary spastic paraplegia 30. Identifiers: Orphanet 101010, MedGen C5235139, MONDO:0012476.
Intellectual disability, autosomal dominant 9 (NESCAVS). Also called: NESCAV SYNDROME; KIF1A-Related Neurodevelopmental Disorder. Identifiers: Orphanet 662367, MedGen C5393830, MONDO:0013656, OMIM 614255.
Neuropathy, hereditary sensory, type 2C. Also called: KIF1A-Related HSAN2 (HSAN2C); Hereditary sensory and autonomic neuropathy type IIC. Identifiers: Orphanet 970, MedGen C3280168, MONDO:0013634, OMIM 614213.

Allele frequency attached by ClinVar (database versions not stated): TOPMed 0.00002; ExAC 0.00003; gnomAD 0.00003; gnomAD exomes 0.00004 and 0.00005; 1000 Genomes Project 30x 0.00016; 1000 Genomes Project 0.00020.
gnomAD v4.1: 69 of 1,612,154 alleles (0.0043%); highest among the groups gnomAD compares: South Asian, 0.029%; no homozygotes.

Submissions (2):

PreventionGenetics, part of Exact Sciences
Classification: Likely benign for KIF1A-related condition. Last evaluated: 2026-05-19. Review status: criteria provided, single submitter. Criteria: ACMG Guidelines, 2015. Collection method: clinical testing. Allele origin: germline.
Comment: This variant is classified as likely benign based on ACMG/AMP sequence variant interpretation guidelines (Richards et al. 2015 PMID: 25741868, with internal and published modifications).

Labcorp Genetics (formerly Invitae), Labcorp
Classification: Likely benign for Hereditary spastic paraplegia 30; Neuropathy, hereditary sensory, type 2C; Intellectual disability, autosomal dominant 9. Last evaluated: 2024-09-17. Review status: criteria provided, single submitter. Criteria: Invitae Variant Classification Sherloc (09022015). Collection method: clinical testing. Allele origin: germline.